The following is an entry in ClinVar:

ClinVar aggregate classification (germline): Uncertain significance. Review status: criteria provided, multiple submitters, no conflicts (2 of 4 stars). 2 submissions from 2 submitters: Uncertain significance (2). Last evaluated 2026-03-11.

Conditions:
VPS13B-related disorder. Also called: VPS13B-related condition.
Cohen syndrome (COH1). Also called: PEPPER SYNDROME; Cutis verticis gyrata, retinitis pigmentosa, and sensorineural deafness. Identifiers: Orphanet 193, MedGen C0265223, MONDO:0008999, OMIM 216550.

Allele frequency attached by ClinVar (database versions not stated): TOPMed 0.00001.

Submissions (2):

PreventionGenetics, part of Exact Sciences
Classification: Uncertain significance for VPS13B-related condition. Last evaluated: 2026-03-11. Review status: criteria provided, single submitter. Criteria: ACMG Guidelines, 2015. Collection method: clinical testing. Allele origin: germline.
Comment: The VPS13B c.4508A>G variant is predicted to result in the amino acid substitution p.Lys1503Arg. To our knowledge, this variant has not been reported in the literature or in a large population database (gnomAD), indicating this variant is rare. At this time, the clinical significance of this variant is uncertain due to the absence of conclusive functional and genetic evidence.

Labcorp Genetics (formerly Invitae), Labcorp
Classification: Uncertain significance for Cohen syndrome. Last evaluated: 2022-04-08. Review status: criteria provided, single submitter. Criteria: Invitae Variant Classification Sherloc (09022015). Collection method: clinical testing. Allele origin: germline.
Comment: This sequence change replaces lysine, which is basic and polar, with arginine, which is basic and polar, at codon 1528 of the VPS13B protein (p.Lys1528Arg). This variant is not present in population databases (gnomAD no frequency). This variant has not been reported in the literature in individuals affected with VPS13B-related conditions. Algorithms developed to predict the effect of missense changes on protein structure and function are either unavailable or do not agree on the potential impact of this missense change (SIFT: "Not Available"; PolyPhen-2: "Benign"; Align-GVGD: "Not Available"). In summary, the available evidence is currently insufficient to determine the role of this variant in disease. Therefore, it has been classified as a Variant of Uncertain Significance.

NM_152564.5(VPS13B):c.4508A>G (p.Lys1503Arg)

Gene: VPS13B (vacuolar protein sorting 13 homolog B; plus strand). Cytogenetic location: 8q22.2.
Variant type: single nucleotide variant.
Coding change: c.4508A>G on transcript NM_152564.5 (MANE Select); coding-DNA position 4508, A replaced by G.
Protein change: p.Lys1503Arg; replaces lysine 1503 with arginine.
Molecular consequence: missense variant.
Genome position (GRCh38, 1-based): chr8:99,511,387, A>G. VCF-style: chr8-99511387-A-G. GRCh37 (hg19) VCF-style: chr8-100523615-A-G.
Other names: c.4583A>G, p.Lys1528Arg (NM_017890.5); short protein forms K1503R, K1528R.
Identifiers: ClinVar variation 2417418 (VCV002417418.4), dbSNP rs1306207234, ClinGen allele CA371871789.
Genomic context (GRCh38, chr8:99,511,387, plus strand): 5'-TTAATGCCATTGCAAGTATATTTCAAGCAAAACTACCAAAGACCCAAAAAGAGAAAAGAA[A>G]ATCTCCTGGTCAGCCCATGAGGACCCATACACTGACATCCCGCAATTTACCTTTGATTTA-3'
Protein context (NP_689777.3, residues 1493-1513): KLPKTQKEKR[Lys1503Arg]SPGQPMRTHT